The following is an entry in ClinVar:

ClinVar aggregate classification (germline): Uncertain significance (1 of 4 stars; one submission).

Submission:

Ambry Genetics
Classification: Uncertain significance. Last evaluated: 2021-12-05. Review status: criteria provided, single submitter. Criteria: Ambry Variant Classification Scheme 2023. Collection method: clinical testing. Allele origin: germline.
Comment: The p.G164W variant (also known as c.490G>T), located in coding exon 1 of the EGLN2 gene, results from a G to T substitution at nucleotide position 490. The glycine at codon 164 is replaced by tryptophan, an amino acid with highly dissimilar properties. This amino acid position is conserved. In addition, this alteration is predicted to be tolerated by in silico analysis. Since supporting evidence is limited at this time, the clinical significance of this alteration remains unclear.

NM_080732.4(EGLN2):c.490G>T (p.Gly164Trp)

Genes: EGLN2 (egl-9 family hypoxia inducible factor 2; plus strand), RAB4B-EGLN2 (RAB4B-EGLN2 readthrough (NMD candidate); plus strand). Cytogenetic location: 19q13.2.
Variant type: single nucleotide variant.
Coding change: c.490G>T on transcript NM_080732.4 (MANE Select); coding-DNA position 490, G replaced by T.
Protein change: p.Gly164Trp; replaces glycine 164 with tryptophan.
Molecular consequence: missense variant. On other transcripts: non-coding transcript variant (1).
Genome position (GRCh38, 1-based): chr19:40,801,062, G>T. VCF-style: chr19-40801062-G-T. GRCh37 (hg19) VCF-style: chr19-41306967-G-T.
Other names: c.490G>T, p.Gly164Trp (NM_053046.4); short protein forms G164W.
Identifiers: ClinVar variation 1744048 (VCV001744048.2), dbSNP rs1324881399, ClinGen allele CA405955372.